The following is an entry in ClinVar:

NM_000548.5(TSC2):c.217T>G (p.Phe73Val)

Gene: TSC2 (TSC complex subunit 2; plus strand). Cytogenetic location: 16p13.3.
Variant type: single nucleotide variant.
Coding change: c.217T>G on transcript NM_000548.5 (MANE Select); coding-DNA position 217, T replaced by G.
Protein change: p.Phe73Val; replaces phenylalanine 73 with valine.
Molecular consequence: missense variant. On other transcripts: 5 prime UTR variant (1).
Genome position (GRCh38, 1-based): chr16:2,050,478, T>G. VCF-style: chr16-2050478-T-G. GRCh37 (hg19) VCF-style: chr16-2100479-T-G.
Other names: c.217T>G, p.Phe73Val (NM_001077183.3, NM_001114382.3, NM_001318827.2 and 4 more transcripts); c.70T>G, p.Phe24Val (NM_001318829.2); c.-10T>G (NM_001318831.2); c.250T>G, p.Phe84Val (NM_001318832.2); short protein forms F24V, F73V, F84V.
Identifiers: ClinVar variation 840098 (VCV000840098.10), dbSNP rs1596245977, ClinGen allele CA394303596.

ClinVar aggregate classification (germline): Uncertain significance. Review status: criteria provided, multiple submitters, no conflicts (2 of 4 stars). 2 submissions from 2 submitters: Uncertain significance (2). Last evaluated 2024-03-20.

Conditions:
Tuberous sclerosis 2 (TSC2). Identifiers: Orphanet 805, MedGen C1860707, MONDO:0013199, OMIM 613254.

Submissions (2):

GeneDx
Classification: Uncertain significance. Last evaluated: 2024-03-20. Review status: criteria provided, single submitter. Criteria: GeneDx Variant Classification Process June 2021. Collection method: clinical testing. Allele origin: germline. Affected: yes.
Comment: Not observed at significant frequency in large population cohorts (gnomAD); In silico analysis supports that this missense variant does not alter protein structure/function; Has not been previously published as pathogenic or benign to our knowledge; This variant is associated with the following publications: (PMID: 18466115)

Labcorp Genetics (formerly Invitae), Labcorp
Classification: Uncertain significance for Tuberous sclerosis 2. Last evaluated: 2019-12-03. Review status: criteria provided, single submitter. Criteria: Invitae Variant Classification Sherloc (09022015). Collection method: clinical testing. Allele origin: germline.
Comment: In summary, the available evidence is currently insufficient to determine the role of this variant in disease. Therefore, it has been classified as a Variant of Uncertain Significance. Algorithms developed to predict the effect of missense changes on protein structure and function (SIFT, PolyPhen-2, Align-GVGD) all suggest that this variant is likely to be tolerated, but these predictions have not been confirmed by published functional studies and their clinical significance is uncertain. This variant has not been reported in the literature in individuals with TSC2-related conditions. This variant is not present in population databases (ExAC no frequency). This sequence change replaces phenylalanine with valine at codon 73 of the TSC2 protein (p.Phe73Val). The phenylalanine residue is moderately conserved and there is a small physicochemical difference between phenylalanine and valine.